The following is an entry in ClinVar:

NM_173660.5(DOK7):c.54+27G>A

Gene: DOK7 (docking protein 7; plus strand). Cytogenetic location: 4p16.3.
Variant type: single nucleotide variant.
Coding change: c.54+27G>A on transcript NM_173660.5 (MANE Select); 27 bases into the intron after coding-DNA position 54, G replaced by A.
Molecular consequence: intron variant.
Genome position (GRCh38, 1-based): chr4:3,463,456, G>A. VCF-style: chr4-3463456-G-A. GRCh37 (hg19) VCF-style: chr4-3465183-G-A.
Other names: p.?; c.54+27G>A (NM_001301071.2, NM_001363811.2, NM_001164673.2).
Identifiers: ClinVar variation 703899 (VCV000703899.17), dbSNP rs774468059, ClinGen allele CA2828840.

ClinVar aggregate classification (germline): Likely benign. Review status: criteria provided, multiple submitters, no conflicts (2 of 4 stars). 3 submissions from 3 submitters: Likely benign (2). 1 of the submissions does not count toward it. Last evaluated 2026-01-28.

Conditions:
DOK7-related disorder. Also called: DOK7-related condition.
Fetal akinesia deformation sequence 1 (FADS1). Also called: Fetal akinesia sequence; Pena-Shokeir syndrome type I. Identifiers: Orphanet 994, MedGen C1276035, MONDO:0100101, OMIM 208150, HP:0001989.
Congenital myasthenic syndrome 10. Also called: Myasthenia, limb-girdle, familial. Identifiers: Orphanet 590, MedGen C1850792, MONDO:0009690, OMIM 254300.

Allele frequency attached by ClinVar (database versions not stated): 1000 Genomes Project 30x 0.00031.
gnomAD v4.1: 315 of 1,421,670 alleles (0.022%); highest among the groups gnomAD compares: Admixed American, 0.16%; 4 homozygotes.

Submissions (3):

Labcorp Genetics (formerly Invitae), Labcorp
Classification: Likely benign for Congenital myasthenic syndrome 10; Fetal akinesia deformation sequence 1. Last evaluated: 2026-01-28. Review status: criteria provided, single submitter. Criteria: Invitae Variant Classification Sherloc (09022015). Collection method: clinical testing. Allele origin: germline.

Mayo Clinic Laboratories, Mayo Clinic
Classification: Likely benign. Last evaluated: 2025-10-09. Review status: criteria provided, single submitter. Criteria: ACMG Guidelines, 2015. Collection method: clinical testing. Allele origin: germline. Observed: 2 variant alleles.
Comment: BP4, BP7

PreventionGenetics, part of Exact Sciences
Classification: Likely benign for DOK7-related condition. Last evaluated: 2019-02-19. Review status: no assertion criteria provided. Collection method: clinical testing. Allele origin: germline. Not counted in ClinVar's aggregate classification.
Comment: This variant is classified as likely benign based on ACMG/AMP sequence variant interpretation guidelines (Richards et al. 2015 PMID: 25741868, with internal and published modifications).